The following is an entry in ClinVar:

ClinVar aggregate classification (germline): Uncertain significance (1 of 4 stars; one submission).

Conditions:
Deficiency of ferroxidase (ACEP). Also called: NEURODEGENERATION WITH BRAIN IRON ACCUMULATION 10; Aceruloplasminemia; Ceruloplasmin deficiency; Familial apoceruloplasmin deficiency; Hereditary ceruloplasmin deficiency; Deficiency of ceruloplasmin. Identifiers: Orphanet 48818, MedGen C0878682, MONDO:0011426, OMIM 604290, HP:0025498.

Submission:

Labcorp Genetics (formerly Invitae), Labcorp
Classification: Uncertain significance for Deficiency of ferroxidase. Last evaluated: 2021-09-20. Review status: criteria provided, single submitter. Criteria: Invitae Variant Classification Sherloc (09022015). Collection method: clinical testing. Allele origin: germline.
Comment: In summary, the available evidence is currently insufficient to determine the role of this variant in disease. Therefore, it has been classified as a Variant of Uncertain Significance. Experimental studies and prediction algorithms are not available or were not evaluated, and the functional significance of this variant is currently unknown. This variant has not been reported in the literature in individuals affected with CP-related conditions. This variant is not present in population databases (ExAC no frequency). This variant, c.2407_2409del, results in the deletion of 1 amino acid(s) of the CP protein (p.Glu803del), but otherwise preserves the integrity of the reading frame.

NM_000096.4(CP):c.2401GAA[2] (p.Glu803del)

Gene: CP (ceruloplasmin; minus strand). Cytogenetic location: 3q24.
Variant type: Microsatellite.
Coding change: c.2401GAA[2] on transcript NM_000096.4 (MANE Select); two copies in a row of the 3-base unit GAA starting at c.2401; the reference has three copies in a row; one copy, 3 bases deleted.
Protein change: p.Glu803del; deletes glutamic acid 803.
Molecular consequence: inframe deletion. On other transcripts: non-coding transcript variant (1).
Genome position (GRCh38, 1-based): chr3:149,183,482-149,183,484, TTC deleted on the plus strand (GAA on the coding strand, the reverse complement: CP is on the minus strand); deleting any 3 consecutive bases within chr3:149,183,482-149,183,490 gives the same sequence; the position shown is the placement nearest the transcript's 3' end. VCF-style (leftmost placement, unchanged base first): chr3-149183481-GTTC-G. GRCh37 (hg19) VCF-style: chr3-148901268-GTTC-G.
Other names: short protein forms E803del.
Identifiers: ClinVar variation 1386844 (VCV001386844.6), dbSNP rs1482869210, ClinGen allele CA546941505.
Genomic context (GRCh38, chr3:149,183,481, plus strand): 5'-TCACATCATTAACCCACACCTGATAAACTGGAGATATTAACATACCTAGAATTCCCAGAT[GTTC>G]TTCTTCAGCTTTTCTCTCCACTGGAACACGGAATGTGCTATCAGTATACTGCCGATACAC-3'